The following is an entry in ClinVar:

ClinVar aggregate classification (germline): Uncertain significance. Review status: criteria provided, multiple submitters, no conflicts (2 of 4 stars). 2 submissions from 2 submitters: Uncertain significance (2). Last evaluated 2025-09-08.

Conditions:
Catecholaminergic polymorphic ventricular tachycardia 1. Also called: RYR2-Related Catecholaminergic Polymorphic Ventricular Tachycardia; VENTRICULAR TACHYCARDIA, STRESS-INDUCED POLYMORPHIC 1; VENTRICULAR TACHYCARDIA, CATECHOLAMINERGIC POLYMORPHIC, 1, WITH OR WITHOUT ATRIAL DYSFUNCTION AND/OR DILATED CARDIOMYOPATHY. Identifiers: Orphanet 3286, MedGen C1631597, MONDO:0011484, OMIM 604772.

Submissions (2):

Women's Health and Genetics/Laboratory Corporation of America, LabCorp
Classification: Uncertain significance. Last evaluated: 2025-09-08. Review status: criteria provided, single submitter. Criteria: LabCorp Variant Classification Summary - May 2015. Collection method: clinical testing. Allele origin: germline.
Comment: Variant summary: RYR2 c.14224C>T (p.His4742Tyr) results in a conservative amino acid change in the encoded protein sequence. Algorithms developed to predict the effect of missense changes on protein structure and function are either unavailable or do not agree on the potential impact of this missense change. The frequency data for this variant in gnomAD is considered unreliable, as metrics indicate poor data quality at this position. c.14224C>T has been observed in an individual affected with sudden cardiac death without strong evidence of causality (van der Werf_2012). This report does not provide unequivocal conclusions about association of the variant with Catecholaminergic Polymorphic Ventricular Tachycardia. To our knowledge, no experimental evidence demonstrating an impact on protein function has been reported. The following publication has been ascertained in the context of this evaluation (PMID: 22787013). ClinVar contains an entry for this variant (Variation ID: 652084). Based on the evidence outlined above, the variant was classified as uncertain significance.

Labcorp Genetics (formerly Invitae), Labcorp
Classification: Uncertain significance for Catecholaminergic polymorphic ventricular tachycardia 1. Last evaluated: 2018-11-06. Review status: criteria provided, single submitter. Criteria: Invitae Variant Classification Sherloc (09022015). Collection method: clinical testing. Allele origin: germline.
Comment: In summary, the available evidence is currently insufficient to determine the role of this variant in disease. Therefore, it has been classified as a Variant of Uncertain Significance. Algorithms developed to predict the effect of missense changes on protein structure and function are either unavailable or do not agree on the potential impact of this missense change (SIFT: "Deleterious"; PolyPhen-2: "Possibly Damaging"; Align-GVGD: "Class C0"). This variant is not present in population databases (ExAC no frequency). This sequence change replaces histidine with tyrosine at codon 4742 of the RYR2 protein (p.His4742Tyr). The histidine residue is highly conserved and there is a moderate physicochemical difference between histidine and tyrosine.

Literature cited by the submitters: PubMed 22787013 (cited by Women's Health and Genetics/Laboratory Corporation of America, LabCorp and Labcorp Genetics (formerly Invitae), Labcorp).

NM_001035.3(RYR2):c.14224C>T (p.His4742Tyr)

Gene: RYR2 (ryanodine receptor 2; plus strand). Cytogenetic location: 1q43.
Variant type: single nucleotide variant.
Coding change: c.14224C>T on transcript NM_001035.3 (MANE Select); coding-DNA position 14224, C replaced by T.
Protein change: p.His4742Tyr; replaces histidine 4742 with tyrosine.
Molecular consequence: missense variant.
Genome position (GRCh38, 1-based): chr1:237,806,209, C>T. VCF-style: chr1-237806209-C-T. GRCh37 (hg19) VCF-style: chr1-237969509-C-T.
Other names: c.14224C>T, p.His4742Tyr (LRG_402t1); short protein forms H4742Y.
Identifiers: ClinVar variation 652084 (VCV000652084.11), dbSNP rs1358033974, ClinGen allele CA345423036.
Genomic context (GRCh38, chr1:237,806,209, plus strand): 5'-CTAGCCTGGTATATGACTATGTCTGTTCTTGGACACTATAACAACTTTTTTTTTGCCGCT[C>T]ACCTTCTCGACATTGCTATGGGATTCAAGACATTAAGAACCATCTTGTCCTCAGTAACTC-3'
Protein context (NP_001026.2, residues 4732-4752): GHYNNFFFAA[His4742Tyr]LLDIAMGFKT